The following is an entry in ClinVar:

ClinVar aggregate classification (germline): Uncertain significance (1 of 4 stars; one submission).

Conditions:
Hereditary cancer-predisposing syndrome. Also called: Neoplastic Syndromes, Hereditary; Tumor predisposition; Hereditary neoplastic syndrome; Hereditary Cancer Syndrome. Identifiers: Orphanet 140162, MedGen C0027672, MeSH D009386, MONDO:0015356.

gnomAD v4.1: 1 of 1,612,238 alleles (0.000062%); no homozygotes.

Submission:

Ambry Genetics
Classification: Uncertain significance for Hereditary cancer-predisposing syndrome. Last evaluated: 2026-07-07. Review status: criteria provided, single submitter. Criteria: Ambry Variant Classification Scheme 2023. Collection method: clinical testing. Allele origin: germline.
Comment: The p.R56S variant (also known as c.168G>T), located in coding exon 1 of the PRKAR1A gene, results from a G to T substitution at nucleotide position 168. The arginine at codon 56 is replaced by serine, an amino acid with dissimilar properties. This amino acid position is conserved. In addition, the in silico prediction for this alteration is inconclusive. Based on the available evidence, the clinical significance of this variant remains unclear.

NM_002734.5(PRKAR1A):c.168G>T (p.Arg56Ser)

Gene: PRKAR1A (protein kinase cAMP-dependent type I regulatory subunit alpha; plus strand). Cytogenetic location: 17q24.2.
Variant type: single nucleotide variant.
Coding change: c.168G>T on transcript NM_002734.5 (MANE Select); coding-DNA position 168, G replaced by T.
Protein change: p.Arg56Ser; replaces arginine 56 with serine.
Molecular consequence: missense variant.
Genome position (GRCh38, 1-based): chr17:68,515,567, G>T. VCF-style: chr17-68515567-G-T. GRCh37 (hg19) VCF-style: chr17-66511708-G-T.
Other names: c.168G>T, p.Arg56Ser (NM_001276289.2, NM_001276290.1, NM_001278433.2 and 4 more transcripts); short protein forms R56S.
Identifiers: ClinVar variation 5027290 (VCV005027290.1).